The following is an entry in ClinVar:

NM_031293.3(PMFBP1):c.1462C>T (p.Gln488Ter)

Gene: PMFBP1 (polyamine modulated factor 1 binding protein 1; minus strand). Cytogenetic location: 16q22.2.
Variant type: single nucleotide variant.
Coding change: c.1462C>T on transcript NM_031293.3 (MANE Select); coding-DNA position 1462, C replaced by T.
Protein change: p.Gln488Ter; replaces glutamine 488 with a stop codon.
Molecular consequence: nonsense.
Genome position (GRCh38, 1-based): chr16:72,130,708, G>A on the plus strand (C>T on the coding strand, the complement: PMFBP1 is on the minus strand). VCF-style: chr16-72130708-G-A. GRCh37 (hg19) VCF-style: chr16-72164607-G-A.
Other names: p.Gln488Ter; c.1027C>T, p.Gln343Ter (NM_001160213.2); short protein forms Q488*, Q343*.
Identifiers: ClinVar variation 560417 (VCV000560417.3), dbSNP rs777263062, ClinGen allele CA8161671.

ClinVar aggregate classification (germline): Pathogenic. Review status: criteria provided, single submitter (1 of 4 stars). 2 submissions from 2 submitters: Pathogenic (1). 1 of the submissions does not count toward it. Last evaluated 2023-04-21.

Conditions:
Spermatogenic failure 31. Identifiers: MedGen C4748234, MONDO:0020852, OMIM 618112.

Allele frequency attached by ClinVar (database versions not stated): gnomAD exomes below 0.00001; ExAC 0.00001.
gnomAD v4.1: 5 of 1,611,876 alleles (0.00031%); highest among the groups gnomAD compares: South Asian, 0.0055%; no homozygotes.

Submissions (2):

Foundation for Research in Genetics and Endocrinology, FRIGE's Institute of Human Genetics
Classification: Pathogenic for Spermatogenic failure 31. Last evaluated: 2023-04-21. Review status: criteria provided, single submitter. Criteria: ACMG Guidelines, 2015. Collection method: clinical testing. Allele origin: germline. Inheritance: Autosomal recessive inheritance. Affected: yes. Observed: 1 compound heterozygote.
Comment: A heterozygous missense variation in exon 11 of the PMFBP1 gene that results in premature stop codon was detected.. The observed variant c.1462C>T(p.Gln488Ter) not observed in the 1000Genomes database and have MAF of 0.0003% in the gnomAD database. The in silico prediction of the variant is damaging by BayesDEL. The reference codon is conserved across species. In summary, the variant meets our criteria to be classified as a variant of uncertain significance.

OMIM
Classification: Pathogenic for SPERMATOGENIC FAILURE 31. Last evaluated: 2018-09-07. Review status: no assertion criteria provided. Collection method: literature only. Allele origin: germline. Not counted in ClinVar's aggregate classification.

Literature cited by the submitters: PubMed 30032984 (cited by OMIM).